The following is an entry in ClinVar:

ClinVar aggregate classification (germline): Uncertain significance (1 of 4 stars; one submission).

Conditions:
Hereditary cancer-predisposing syndrome. Also called: Hereditary neoplastic syndrome; Neoplastic Syndromes, Hereditary; Tumor predisposition; Hereditary Cancer Syndrome. Identifiers: Orphanet 140162, MedGen C0027672, MeSH D009386, MONDO:0015356.

Submission:

Ambry Genetics
Classification: Uncertain significance for Hereditary cancer-predisposing syndrome. Last evaluated: 2025-08-27. Review status: criteria provided, single submitter. Criteria: Ambry Variant Classification Scheme 2023. Collection method: clinical testing. Allele origin: germline.
Comment: The p.M121I variant (also known as c.363G>C), located in coding exon 4 of the MUTYH gene, results from a G to C substitution at nucleotide position 363. The methionine at codon 121 is replaced by isoleucine, an amino acid with highly similar properties. This amino acid position is conserved. In addition, this alteration is predicted to be tolerated by in silico analysis. Based on the available evidence, the clinical significance of this variant remains unclear.

NM_001048174.2(MUTYH):c.279G>C (p.Met93Ile)

Gene: MUTYH (mutY DNA glycosylase; minus strand). Cytogenetic location: 1p34.1.
Variant type: single nucleotide variant.
Coding change: c.279G>C on transcript NM_001048174.2 (MANE Select); coding-DNA position 279, G replaced by C.
Protein change: p.Met93Ile; replaces methionine 93 with isoleucine.
Molecular consequence: missense variant. On other transcripts: initiator codon variant (3), non-coding transcript variant (7).
Genome position (GRCh38, 1-based): chr1:45,333,310, C>G on the plus strand (G>C on the coding strand, the complement: MUTYH is on the minus strand). VCF-style: chr1-45333310-C-G. GRCh37 (hg19) VCF-style: chr1-45798982-C-G.
Other names: c.279G>C, p.Met93Ile (NM_001048171.2, NM_001048173.2, NM_001293195.2 and 6 more transcripts); c.282G>C, p.Met94Ile (NM_001048172.2, NM_001407071.1, NM_001407078.1 and 2 more transcripts); c.363G>C, p.Met121Ile (NM_001128425.2); c.324G>C, p.Met108Ile (NM_001293190.2); c.312G>C, p.Met104Ile (NM_001293191.2, NM_001407077.1); c.3G>C, p.Met1Ile (NM_001293192.2, NM_001293196.2, NM_001407091.1); c.8G>C, p.Trp3Ser (NM_001350650.2, NM_001350651.2, NM_001407082.1); c.354G>C, p.Met118Ile (NM_001407069.1, NM_012222.3); and 3 more; short protein forms M100I, M118I, M121I, M1I, M93I, W3S, M108I, M107I.
Identifiers: ClinVar variation 4113631 (VCV004113631.1).
Genomic context (GRCh38, chr1:45,333,310, plus strand): 5'-GGCAAAGTGGCCCTGCTCTCAGGAGATGTACTGACCAGCATATGCCCGCCTGTCCAGGTC[C>G]ATCTCATCTTCTGCCTGTCAATGCAACCCCAGATGAGGAGTTAGGGTGGAGGGGGCTGGG-3'
Protein context (NP_001041639.1, residues 83-103): LPWRRRAEDE[Met93Ile]DLDRRAYAVW